The following is an entry in ClinVar:

NM_005401.5(PTPN14):c.3403G>C (p.Glu1135Gln)

Gene: PTPN14 (protein tyrosine phosphatase non-receptor type 14; minus strand). Cytogenetic location: 1q32.3.
Variant type: single nucleotide variant.
Coding change: c.3403G>C on transcript NM_005401.5 (MANE Select); coding-DNA position 3403, G replaced by C.
Protein change: p.Glu1135Gln; replaces glutamic acid 1135 with glutamine.
Molecular consequence: missense variant.
Genome position (GRCh38, 1-based): chr1:214,364,544, C>G on the plus strand (G>C on the coding strand, the complement: PTPN14 is on the minus strand). VCF-style: chr1-214364544-C-G. GRCh37 (hg19) VCF-style: chr1-214537887-C-G.
Other names: short protein forms E1135Q.
Identifiers: ClinVar variation 4974611 (VCV004974611.1).

ClinVar aggregate classification (germline): Uncertain significance (1 of 4 stars; one submission).

Conditions:
Lymphedema-posterior choanal atresia syndrome. Identifiers: Orphanet 99141, MedGen C3150875, MONDO:0013324, OMIM 613611.

gnomAD v4.1: 1 of 1,613,892 alleles (0.000062%); highest among the groups gnomAD compares: East Asian, 0.0022%; no homozygotes.

Submission:

Clinical Genomics Laboratory, Washington University in St. Louis
Classification: Uncertain significance for Lymphedema-posterior choanal atresia syndrome. Last evaluated: 2025-10-15. Review status: criteria provided, single submitter. Criteria: ACMG Guidelines, 2015. Collection method: clinical testing. Allele origin: germline.
Comment: A PTPN14 c.3403G>C p.Glu1135Gln variant was identified at a near homozygous allelic fraction, a frequency which may be consistent with germline origin. This variant, to our knowledge, has not been reported in the medical literature. It is only observed on 1/1,613,892 alleles in the general population (gnomAD v4.1.0), indicating it is not a common variant. Due to limited information, and based on ACMG/AMP guidelines for variant interpretation (Richards S et al., PMID: 25741868), the clinical significance of this variant is uncertain at this time.